The following is an entry in ClinVar:

NM_032242.4(PLXNA1):c.3136G>A (p.Glu1046Lys)

Gene: PLXNA1 (plexin A1; plus strand). Cytogenetic location: 3q21.3.
Variant type: single nucleotide variant.
Coding change: c.3136G>A on transcript NM_032242.4 (MANE Select); coding-DNA position 3136, G replaced by A.
Protein change: p.Glu1046Lys; replaces glutamic acid 1046 with lysine.
Molecular consequence: missense variant.
Genome position (GRCh38, 1-based): chr3:127,016,638, G>A. VCF-style: chr3-127016638-G-A. GRCh37 (hg19) VCF-style: chr3-126735481-G-A.
Other names: short protein forms E1046K.
Identifiers: ClinVar variation 3357094 (VCV003357094.2).

ClinVar aggregate classification (germline): Uncertain significance (1 of 4 stars; one submission).

Conditions:
PLXNA1-related disorder. Also called: PLXNA1-related condition.

gnomAD v4.1: 16 of 1,613,872 alleles (0.00099%); highest among the groups gnomAD compares: African/African-American, 0.0093%; no homozygotes.

Submission:

PreventionGenetics, part of Exact Sciences
Classification: Uncertain significance for PLXNA1-related condition. Last evaluated: 2026-04-21. Review status: criteria provided, single submitter. Criteria: ACMG Guidelines, 2015. Collection method: clinical testing. Allele origin: germline.
Comment: The PLXNA1 c.3136G>A variant is predicted to result in the amino acid substitution p.Glu1046Lys. To our knowledge, this variant has not been reported in the literature. Statistical evidence in gnomAD suggests the PLXNA1 gene is intolerant of missense variation. This variant is reported in 0.012% of alleles in individuals of African descent in gnomAD. At this time, the clinical significance of this variant is uncertain due to the absence of conclusive functional and genetic evidence.